The following is an entry in ClinVar:

ClinVar aggregate classification (germline): Uncertain significance (1 of 4 stars; one submission).

Conditions:
Progressive familial heart block type IB (PFHB1B). Identifiers: Orphanet 871, MedGen C1970298, MONDO:0011474, OMIM 604559.

gnomAD v4.1: 2 of 1,604,054 alleles (0.00012%); highest among the groups gnomAD compares: South Asian, 0.0011%; no homozygotes.

Submission:

Labcorp Genetics (formerly Invitae), Labcorp
Classification: Uncertain significance for Progressive familial heart block type IB. Last evaluated: 2025-10-28. Review status: criteria provided, single submitter. Criteria: Invitae Variant Classification Sherloc (09022015). Collection method: clinical testing. Allele origin: germline.
Comment: This sequence change replaces arginine, which is basic and polar, with leucine, which is neutral and non-polar, at codon 85 of the TRPM4 protein (p.Arg85Leu). The frequency data for this variant in the population databases is considered unreliable, as metrics indicate poor data quality at this position in the gnomAD database. This variant has not been reported in the literature in individuals affected with TRPM4-related conditions. An algorithm developed to predict the effect of missense changes on protein structure and function (PolyPhen-2) suggests that this variant is likely to be tolerated. In summary, the available evidence is currently insufficient to determine the role of this variant in disease. Therefore, it has been classified as a Variant of Uncertain Significance.

NM_017636.4(TRPM4):c.254G>T (p.Arg85Leu)

Gene: TRPM4 (transient receptor potential cation channel subfamily M member 4; plus strand). Cytogenetic location: 19q13.33.
Variant type: single nucleotide variant.
Coding change: c.254G>T on transcript NM_017636.4 (MANE Select); coding-DNA position 254, G replaced by T.
Protein change: p.Arg85Leu; replaces arginine 85 with leucine.
Molecular consequence: missense variant. On other transcripts: 5 prime UTR variant (1), intron variant (2).
Genome position (GRCh38, 1-based): chr19:49,166,202, G>T. VCF-style: chr19-49166202-G-T. GRCh37 (hg19) VCF-style: chr19-49669459-G-T.
Other names: c.254G>T, p.Arg85Leu (NM_001195227.2, NM_001321281.2); c.-1119G>T (NM_001321282.2); c.-74-2058G>T (NM_001321283.2); c.-237-2351G>T (NM_001321285.2); short protein forms R85L.
Identifiers: ClinVar variation 4754260 (VCV004754260.1).